The following is an entry in ClinVar:

ClinVar aggregate classification (germline): Uncertain significance (1 of 4 stars; one submission).

Conditions:
SLCO1B3-related disorder. Also called: SLCO1B3-related condition.

gnomAD v4.1: 6 of 1,593,728 alleles (0.00038%); highest among the groups gnomAD compares: Non-Finnish European, 0.00051%; no homozygotes.

Submission:

PreventionGenetics, part of Exact Sciences
Classification: Uncertain significance for SLCO1B3-related condition. Last evaluated: 2026-04-20. Review status: criteria provided, single submitter. Criteria: ACMG Guidelines, 2015. Collection method: clinical testing. Allele origin: germline.
Comment: The SLCO1B3 c.970+5G>T variant is predicted to interfere with splicing. This variant is predicted to impact splicing based on a splicing prediction program (SpliceAI, Jaganathan K, et al. 2019. PubMed ID: 30661751). The +5 position is part of the minimal donor splice region which is clinically relevant (Lord et al. 2019. PubMed ID: 30587507; Walker et al. 2023. PubMed ID: 37352859). To our knowledge, this variant has not been reported in the literature. This variant is reported in 0.0019% of alleles in individuals of European (Non-Finnish) descent in gnomAD. At this time, the clinical significance of this variant is uncertain due to the absence of conclusive functional and genetic evidence.

NM_019844.4(SLCO1B3):c.970+5G>T

Genes: SLCO1B3 (solute carrier organic anion transporter family member 1B3; plus strand), SLCO1B3-SLCO1B7 (SLCO1B3-SLCO1B7 readthrough; plus strand). Cytogenetic location: 12p12.2.
Variant type: single nucleotide variant.
Coding change: c.970+5G>T on transcript NM_019844.4 (MANE Select); 5 bases into the intron after coding-DNA position 970, G replaced by T.
Molecular consequence: intron variant.
Genome position (GRCh38, 1-based): chr12:20,875,482, G>T. VCF-style: chr12-20875482-G-T. GRCh37 (hg19) VCF-style: chr12-21028416-G-T.
Other names: c.886+5G>T (NM_001349920.2); c.970+5G>T (NM_001371097.1).
Identifiers: ClinVar variation 4987206 (VCV004987206.1).
Genomic context (GRCh38, chr12:20,875,482, plus strand): 5'-AAATCAAACAGCTAATTTGACCAACCAAGGAAAAAATGTTACCAAAAATGTGACTGGTAG[G>T]TATTTGACATTCATTGTCAACTTGGAATTGTTAATCTCAATGAAACGGAGAAGTGAGTAA-3'